The following is an entry in ClinVar:

ClinVar aggregate classification (germline): Uncertain significance (1 of 4 stars; one submission).

gnomAD v4.1: 2 of 1,613,688 alleles (0.00012%); highest among the groups gnomAD compares: Admixed American, 0.0033%; no homozygotes.

Submission:

Labcorp Genetics (formerly Invitae), Labcorp
Classification: Uncertain significance. Last evaluated: 2021-10-14. Review status: criteria provided, single submitter. Criteria: Invitae Variant Classification Sherloc (09022015). Collection method: clinical testing. Allele origin: germline.
Comment: In summary, the available evidence is currently insufficient to determine the role of this variant in disease. Therefore, it has been classified as a Variant of Uncertain Significance. Algorithms developed to predict the effect of missense changes on protein structure and function (SIFT, PolyPhen-2, Align-GVGD) all suggest that this variant is likely to be tolerated. This variant has not been reported in the literature in individuals affected with KIAA1549-related conditions. This variant is not present in population databases (ExAC no frequency). This sequence change replaces valine with leucine at codon 667 of the KIAA1549 protein (p.Val667Leu). The valine residue is weakly conserved and there is a small physicochemical difference between valine and leucine.

NM_001164665.2(KIAA1549):c.1999G>C (p.Val667Leu)

Gene: KIAA1549 (KIAA1549; minus strand). Cytogenetic location: 7q34.
Variant type: single nucleotide variant.
Coding change: c.1999G>C on transcript NM_001164665.2 (MANE Select); coding-DNA position 1999, G replaced by C.
Protein change: p.Val667Leu; replaces valine 667 with leucine.
Molecular consequence: missense variant.
Genome position (GRCh38, 1-based): chr7:138,917,627, C>G on the plus strand (G>C on the coding strand, the complement: KIAA1549 is on the minus strand). VCF-style: chr7-138917627-C-G. GRCh37 (hg19) VCF-style: chr7-138602373-C-G.
Other names: c.1999G>C, p.Val667Leu (NM_020910.3); short protein forms V667L.
Identifiers: ClinVar variation 1363585 (VCV001363585.4), dbSNP rs1298775203, ClinGen allele CA369395665.